The following is an entry in ClinVar:

ClinVar aggregate classification (germline): Uncertain significance (1 of 4 stars; one submission).

Conditions:
Desmin-related myofibrillar myopathy (MFM1). Also called: Desminopathy; Desmin related myopathy (former name); Desmin storage myopathy (former name); MYOFIBRILLAR MYOPATHY WITH ARRHYTHMOGENIC RIGHT VENTRICULAR CARDIOMYOPATHY; DESMIN-RELATED MYOPATHY WITH ARRHYTHMOGENIC RIGHT VENTRICULAR CARDIOMYOPATHY; Myofibrillar myopathy 1. Identifiers: Orphanet 363543, Orphanet 98909, MedGen C1832370, MONDO:0011076, OMIM 601419.

Submission:

Labcorp Genetics (formerly Invitae), Labcorp
Classification: Uncertain significance for Desmin-related myofibrillar myopathy. Last evaluated: 2021-06-14. Review status: criteria provided, single submitter. Criteria: Invitae Variant Classification Sherloc (09022015). Collection method: clinical testing. Allele origin: germline.
Comment: This sequence change falls in intron 6 of the DES gene. It does not directly change the encoded amino acid sequence of the DES protein. This variant has not been reported in the literature in individuals with DES-related conditions. Experimental studies and prediction algorithms are not available or were not evaluated, and the functional significance of this variant is currently unknown. In summary, the available evidence is currently insufficient to determine the role of this variant in disease. Therefore, it has been classified as a Variant of Uncertain Significance.

NC_000002.11:g.(?_220288441)_(220288541_?)dup

Gene: DES (desmin; plus strand). Cytogenetic location: 2q35.
Variant type: Duplication.
Identifiers: ClinVar variation 1374005 (VCV001374005.1).